The following is an entry in ClinVar:

ClinVar aggregate classification (germline): Likely benign (1 of 4 stars; one submission).

gnomAD v4.1: 562 of 1,608,948 alleles (0.035%); highest among the groups gnomAD compares: South Asian, 0.28%; no homozygotes.

Submission:

Mayo Clinic Laboratories, Mayo Clinic
Classification: Likely benign. Last evaluated: 2025-02-14. Review status: criteria provided, single submitter. Criteria: ACMG Guidelines, 2015. Collection method: clinical testing. Allele origin: germline. Observed: 1 variant allele.
Comment: BP7

Literature cited by the submitters: PubMed 38791420.

NM_000295.5(SERPINA1):c.1066-25G>A

Gene: SERPINA1 (serpin family A member 1; minus strand). Cytogenetic location: 14q32.13.
Variant type: single nucleotide variant.
Coding change: c.1066-25G>A on transcript NM_000295.5 (MANE Select); 25 bases into the intron before coding-DNA position 1066, G replaced by A.
Molecular consequence: intron variant.
Genome position (GRCh38, 1-based): chr14:94,378,665, C>T on the plus strand (G>A on the coding strand, the complement: SERPINA1 is on the minus strand). VCF-style: chr14-94378665-C-T. GRCh37 (hg19) VCF-style: chr14-94845002-C-T.
Other names: p.?; c.1066-25G>A (NM_001002235.3, NM_001127707.2, NM_001127706.2 and 7 more transcripts).
Identifiers: ClinVar variation 4683923 (VCV004683923.1).
Genomic context (GRCh38, chr14:94,378,665, plus strand): 5'-TTTCTCGTCGATGGTCAGCACAGCCTTATGCACGGCCTGGAGGGGAGAGAAGCAGAGACA[C>T]GTTGTAAGGCTGATCCCAGGCCTCGAGCAAGGCTCACGTGGACACCTCCCAGGAAGCGCT-3'